The following is an entry in ClinVar:

ClinVar aggregate classification (germline): Benign/Likely benign. Review status: criteria provided, multiple submitters, no conflicts (2 of 4 stars). 2 submissions from 2 submitters: Benign (1); Likely benign (1). Last evaluated 2026-09-01.

Allele frequency attached by ClinVar (database versions not stated): ExAC 0.00117; 1000 Genomes Project 0.00180; 1000 Genomes Project 30x 0.00203.

Submissions (2):

CeGaT Center for Human Genetics Tuebingen
Classification: Likely benign. Last evaluated: 2026-09-01. Review status: criteria provided, single submitter. Criteria: CeGaT Center For Human Genetics Tuebingen Variant Classification Criteria Version 2. Collection method: clinical testing. Allele origin: germline. Affected: yes. Observed: 1 variant allele.
Comment: MRPS23: BP4, BP7, BS2

Labcorp Genetics (formerly Invitae), Labcorp
Classification: Benign. Last evaluated: 2026-01-02. Review status: criteria provided, single submitter. Criteria: Invitae Variant Classification Sherloc (09022015). Collection method: clinical testing. Allele origin: germline.

NM_016070.4(MRPS23):c.132C>G (p.Pro44=)

Gene: MRPS23 (mitochondrial ribosomal protein S23; minus strand). Cytogenetic location: 17q22.
Variant type: single nucleotide variant.
Coding change: c.132C>G on transcript NM_016070.4 (MANE Select); coding-DNA position 132, C replaced by G.
Protein change: p.Pro44=; no amino-acid change (proline 44 retained).
Molecular consequence: synonymous variant.
Genome position (GRCh38, 1-based): chr17:57,849,323, G>C on the plus strand (C>G on the coding strand, the complement: MRPS23 is on the minus strand). VCF-style: chr17-57849323-G-C. GRCh37 (hg19) VCF-style: chr17-55926684-G-C.
Identifiers: ClinVar variation 2150697 (VCV002150697.5), dbSNP rs202094314, ClinGen allele CA8666787.